The following is an entry in ClinVar:

ClinVar aggregate classification (germline): Uncertain significance (1 of 4 stars; one submission).

gnomAD v4.1: 3 of 1,614,226 alleles (0.00019%); highest among the groups gnomAD compares: East Asian, 0.0045%; no homozygotes.

Submission:

GeneDx
Classification: Uncertain significance. Last evaluated: 2024-03-11. Review status: criteria provided, single submitter. Criteria: GeneDx Variant Classification Process June 2021. Collection method: clinical testing. Allele origin: germline. Affected: yes.
Comment: Not observed at significant frequency in large population cohorts (gnomAD); In silico analysis supports that this missense variant has a deleterious effect on protein structure/function; Has not been previously published as pathogenic or benign to our knowledge

NM_002470.4(MYH3):c.4051G>A (p.Glu1351Lys)

Gene: MYH3 (myosin heavy chain 3; minus strand). Cytogenetic location: 17p13.1.
Variant type: single nucleotide variant.
Coding change: c.4051G>A on transcript NM_002470.4 (MANE Select); coding-DNA position 4051, G replaced by A.
Protein change: p.Glu1351Lys; replaces glutamic acid 1351 with lysine.
Molecular consequence: missense variant.
Genome position (GRCh38, 1-based): chr17:10,635,488, C>T on the plus strand (G>A on the coding strand, the complement: MYH3 is on the minus strand). VCF-style: chr17-10635488-C-T. GRCh37 (hg19) VCF-style: chr17-10538805-C-T.
Other names: short protein forms E1351K.
Identifiers: ClinVar variation 3370643 (VCV003370643.1).